The following is an entry in ClinVar:

NM_004415.4(DSP):c.4383G>A (p.Glu1461=)

Gene: DSP (desmoplakin; plus strand). Cytogenetic location: 6p24.3.
Variant type: single nucleotide variant.
Coding change: c.4383G>A on transcript NM_004415.4 (MANE Select); coding-DNA position 4383, G replaced by A.
Protein change: p.Glu1461=; no amino-acid change (glutamic acid 1461 retained).
Molecular consequence: synonymous variant. On other transcripts: intron variant (2).
Genome position (GRCh38, 1-based): chr6:7,580,573, G>A. VCF-style: chr6-7580573-G-A. GRCh37 (hg19) VCF-style: chr6-7580806-G-A.
Other names: p.E1461E:GAG>GAA; p.Glu1461=; c.4050+333G>A (NM_001319034.2); c.3582+801G>A (NM_001008844.3).
Identifiers: ClinVar variation 44907 (VCV000044907.78), dbSNP rs140029036, ClinGen allele CA004457.

ClinVar aggregate classification (germline): Benign/Likely benign. Review status: criteria provided, multiple submitters, no conflicts (2 of 4 stars). 20 submissions from 18 submitters: Benign (6); Likely benign (9). 5 of the submissions do not count toward it. Last evaluated 2026-09-01.

Conditions:
Cardiovascular phenotype. Identifiers: MedGen CN230736.
Arrhythmogenic cardiomyopathy with wooly hair and keratoderma. Also called: Carvajal syndrome; Dilated cardiomyopathy with woolly hair and keratoderma; Arrhythmogenic cardiomyopathy with woolly hair and keratoderma; PALMOPLANTAR KERATODERMA WITH LEFT VENTRICULAR CARDIOMYOPATHY AND WOOLLY HAIR. Identifiers: Orphanet 65282, MedGen C1854063, MONDO:0011581, OMIM 605676.
Arrhythmogenic right ventricular dysplasia 8 (ARVD8). Also called: Arrhythmogenic Right Ventricular Dysplasia/Cardiomyopathy 8; ARRHYTHMOGENIC RIGHT VENTRICULAR DYSPLASIA, FAMILIAL, 8; ARRHYTHMOGENIC RIGHT VENTRICULAR CARDIOMYOPATHY 8. Identifiers: MedGen C1843896, MONDO:0011831, OMIM 607450.
Cardiomyopathy (CMYO). Also called: Cardiomyopathies. Identifiers: Orphanet 167848, MedGen C0878544, MONDO:0004994, HP:0001638. Inheritance: Various modes of inheritance.
Lethal acantholytic epidermolysis bullosa (EBLA). Identifiers: Orphanet 158687, MedGen C1864826, MONDO:0012323, OMIM 609638.
Woolly hair-skin fragility syndrome (WHSF). Identifiers: Orphanet 293165, MedGen C1843292, MONDO:0957307, OMIM 620415.

Allele frequency attached by ClinVar (database versions not stated): ExAC 0.00192; gnomAD exomes 0.00195 and 0.00271; TOPMed 0.00198; ESP Exome Variant Server 0.00169; gnomAD 0.00197.
gnomAD v4.1: 4,246 of 1,614,138 alleles (0.26%); highest among the groups gnomAD compares: Non-Finnish European, 0.33%; 9 homozygotes.

Submissions (20):

CeGaT Center for Human Genetics Tuebingen
Classification: Likely benign. Last evaluated: 2026-09-01. Review status: criteria provided, single submitter. Criteria: CeGaT Center For Human Genetics Tuebingen Variant Classification Criteria Version 2. Collection method: clinical testing. Allele origin: germline. Affected: yes. Observed: 17 variant alleles.
Comment: DSP: BP4, BS2

Labcorp Genetics (formerly Invitae), Labcorp
Classification: Benign for Arrhythmogenic cardiomyopathy with wooly hair and keratoderma; Arrhythmogenic right ventricular dysplasia 8. Last evaluated: 2026-02-03. Review status: criteria provided, single submitter. Criteria: Invitae Variant Classification Sherloc (09022015). Collection method: clinical testing. Allele origin: germline.

ARUP Laboratories, Molecular Genetics and Genomics, ARUP Laboratories
Classification: Likely benign. Last evaluated: 2025-04-07. Review status: criteria provided, single submitter. Criteria: ARUP Molecular Germline Variant Investigation Process 2024. Collection method: clinical testing. Allele origin: germline.

Blueprint Genetics
Classification: Likely benign. Last evaluated: 2024-11-20. Review status: criteria provided, single submitter. Criteria: ACMG Guidelines, 2015. Collection method: clinical testing. Allele origin: germline.

CHEO Genetics Diagnostic Laboratory, Children's Hospital of Eastern Ontario
Classification: Benign for Cardiomyopathy. Last evaluated: 2023-03-06. Review status: criteria provided, single submitter. Criteria: ACMG Guidelines, 2015. Collection method: clinical testing. Allele origin: germline.

Mayo Clinic Laboratories, Mayo Clinic
Classification: Benign. Last evaluated: 2022-04-21. Review status: criteria provided, single submitter. Criteria: ACMG Guidelines, 2015. Collection method: clinical testing. Allele origin: germline. Observed: 5 variant alleles.
Comment: BS1, BS2, BP4, BP7

Women's Health and Genetics/Laboratory Corporation of America, LabCorp
Classification: Benign. Last evaluated: 2019-11-16. Review status: criteria provided, single submitter. Criteria: LabCorp Variant Classification Summary - May 2015. Collection method: clinical testing. Allele origin: germline.

Ambry Genetics
Classification: Likely benign for Cardiovascular phenotype. Last evaluated: 2019-05-14. Review status: criteria provided, single submitter. Criteria: Ambry Variant Classification Scheme 2023. Collection method: clinical testing. Allele origin: germline.

Color Diagnostics, LLC DBA Color Health
Classification: Benign for Cardiomyopathy. Last evaluated: 2018-03-14. Review status: criteria provided, single submitter. Criteria: ACMG Guidelines, 2015. Collection method: clinical testing. Allele origin: germline.

Illumina Laboratory Services, Illumina
Classification: Likely benign for Arrhythmogenic right ventricular dysplasia 8. Last evaluated: 2018-01-12. Review status: criteria provided, single submitter. Criteria: ICSL Variant Classification Criteria 13 December 2019. Collection method: clinical testing. Allele origin: germline.
Comment: This variant was observed in the ICSL laboratory as part of a predisposition screen in an ostensibly healthy population. It had not been previously curated by ICSL or reported in the Human Gene Mutation Database (HGMD: prior to June 1st, 2018), and was therefore a candidate for classification through an automated scoring system. Utilizing variant allele frequency, disease prevalence and penetrance estimates, and inheritance mode, an automated score was calculated to assess if this variant is too frequent to cause the disease. Based on the score and internal cut-off values, a variant classified as likely benign is not then subjected to further curation. The score for this variant resulted in a classification of likely benign for this disease.

Illumina Laboratory Services, Illumina
Classification: Likely benign for Lethal acantholytic epidermolysis bullosa. Last evaluated: 2018-01-12. Review status: criteria provided, single submitter. Criteria: ICSL Variant Classification Criteria 13 December 2019. Collection method: clinical testing. Allele origin: germline.
Comment: the same text as in the submission from Illumina Laboratory Services, Illumina above.

Illumina Laboratory Services, Illumina
Classification: Likely benign for Arrhythmogenic cardiomyopathy with wooly hair and keratoderma. Last evaluated: 2018-01-12. Review status: criteria provided, single submitter. Criteria: ICSL Variant Classification Criteria 13 December 2019. Collection method: clinical testing. Allele origin: germline.
Comment: the same text as in the submission from Illumina Laboratory Services, Illumina above.

GeneDx
Classification: Benign. Last evaluated: 2014-06-11. Review status: criteria provided, single submitter. Criteria: GeneDx Variant Classification (06012015). Collection method: clinical testing. Allele origin: germline. Affected: yes.
Comment: This variant is considered likely benign or benign based on one or more of the following criteria: it is a conservative change, it occurs at a poorly conserved position in the protein, it is predicted to be benign by multiple in silico algorithms, and/or has population frequency not consistent with disease.

Laboratory for Molecular Medicine, Mass General Brigham Personalized Medicine
Classification: Likely benign. Last evaluated: 2012-03-22. Review status: criteria provided, single submitter. Criteria: LMM Criteria. Collection method: clinical testing. Allele origin: germline. Observed: 11 variant alleles.
Comment: Glu1461Glu in exon 23 of DSP: This variant is not expected to have clinical sign ificance because it does not alter an amino acid residue and is not located with in the splice consensus sequence. It has been identified in 0.2% (15/7020) of Eu ropean American chromosomes from a broad population by the NHLBI Exome Sequencin g Project (dbSNP rs140029036). Glu1461Glu in exon 23 of DSP (rs140029036; allele frequency = 0.2%, 15/7020) **

Breakthrough Genomics
Classification: Likely benign. Review status: criteria provided, single submitter. Criteria: ACMG Guidelines, 2015. Collection method: not provided. Allele origin: germline. Inheritance: Autosomal recessive inheritance. Affected: yes.

Clinical Genetics DNA and cytogenetics Diagnostics Lab, Erasmus MC, Erasmus Medical Center
Classification: Likely benign. Review status: no assertion criteria provided. Collection method: clinical testing. Allele origin: germline. Affected: yes. Study: VKGL Data-share Consensus. Not counted in ClinVar's aggregate classification.

Clinical Genetics, Academic Medical Center
Classification: Benign. Review status: no assertion criteria provided. Collection method: clinical testing. Allele origin: germline. Affected: yes. Study: VKGL Data-share Consensus. Not counted in ClinVar's aggregate classification.

Diagnostic Laboratory, Department of Genetics, University Medical Center Groningen
Classification: Likely benign. Review status: no assertion criteria provided. Collection method: clinical testing. Allele origin: germline. Affected: yes. Study: VKGL Data-share Consensus. Not counted in ClinVar's aggregate classification.

Genome Diagnostics Laboratory, University Medical Center Utrecht
Classification: Likely benign. Review status: no assertion criteria provided. Collection method: clinical testing. Allele origin: germline. Affected: yes. Study: VKGL Data-share Consensus. Not counted in ClinVar's aggregate classification.

Joint Genome Diagnostic Labs from Nijmegen and Maastricht, Radboudumc and MUMC+
Classification: Benign. Review status: no assertion criteria provided. Collection method: clinical testing. Allele origin: germline. Affected: yes. Study: VKGL Data-share Consensus. Not counted in ClinVar's aggregate classification.